The following is an entry in ClinVar:

ClinVar aggregate classification (germline): Uncertain significance (1 of 4 stars; one submission).

Allele frequency attached by ClinVar (database versions not stated): gnomAD exomes below 0.00001.
gnomAD v4.1: 1 of 1,603,520 alleles (0.000062%); highest among the groups gnomAD compares: Non-Finnish European, 0.000085%; no homozygotes.

Submission:

Labcorp Genetics (formerly Invitae), Labcorp
Classification: Uncertain significance. Last evaluated: 2025-04-30. Review status: criteria provided, single submitter. Criteria: Invitae Variant Classification Sherloc (09022015). Collection method: clinical testing. Allele origin: germline.
Comment: This sequence change replaces glutamine, which is neutral and polar, with leucine, which is neutral and non-polar, at codon 1316 of the BRD4 protein (p.Gln1316Leu). This variant is not present in population databases (gnomAD no frequency). This variant has not been reported in the literature in individuals affected with BRD4-related conditions. ClinVar contains an entry for this variant (Variation ID: 2880714). An algorithm developed to predict the effect of missense changes on protein structure and function (PolyPhen-2) suggests that this variant is likely to be tolerated. In summary, the available evidence is currently insufficient to determine the role of this variant in disease. Therefore, it has been classified as a Variant of Uncertain Significance.

NM_001379291.1(BRD4):c.3947A>T (p.Gln1316Leu)

Gene: BRD4 (bromodomain containing 4; minus strand). Cytogenetic location: 19p13.12.
Variant type: single nucleotide variant.
Coding change: c.3947A>T on transcript NM_001379291.1 (MANE Select); coding-DNA position 3947, A replaced by T.
Protein change: p.Gln1316Leu; replaces glutamine 1316 with leucine.
Molecular consequence: missense variant.
Genome position (GRCh38, 1-based): chr19:15,238,816, T>A on the plus strand (A>T on the coding strand, the complement: BRD4 is on the minus strand). VCF-style: chr19-15238816-T-A. GRCh37 (hg19) VCF-style: chr19-15349627-T-A.
Other names: c.3947A>T, p.Gln1316Leu (NM_058243.3); short protein forms Q1316L.
Identifiers: ClinVar variation 2880714 (VCV002880714.3), dbSNP rs2047213875, ClinGen allele CA404496353.
Genomic context (GRCh38, chr19:15,238,816, plus strand): 5'-CTTCGCTCCTGCTCCCGCTTCCGGGCCAACTCCCTCTGCTGGTCCAGCATGGACTGGGGC[T>A]GGGAGCTCTGGGCCTGTGGGGTGGCGGCGGCAGCCACCGCAGCTGCTTGCTGTTGCTGCT-3'
Protein context (NP_001366220.1, residues 1306-1326): AAATPQAQSS[Gln1316Leu]PQSMLDQQRE